The following is an entry in ClinVar:

ClinVar aggregate classification (germline): Pathogenic. Review status: criteria provided, multiple submitters, no conflicts (2 of 4 stars). 2 submissions from 2 submitters: Pathogenic (2). Last evaluated 2025-06-13.

Conditions:
Cardiovascular phenotype. Identifiers: MedGen CN230736.

Allele frequency attached by ClinVar (database versions not stated): gnomAD exomes below 0.00001.

Submissions (2):

Ambry Genetics
Classification: Pathogenic for Cardiovascular phenotype. Last evaluated: 2025-06-13. Review status: criteria provided, single submitter. Criteria: Ambry Variant Classification Scheme 2023. Collection method: clinical testing. Allele origin: germline.
Comment: The p.G1570* pathogenic mutation (also known as c.4708G>T), located in coding exon 9 of the ALPK3 gene, results from a G to T substitution at nucleotide position 4708. This changes the amino acid from a glycine to a stop codon within coding exon 9. This variant is considered to be rare based on population cohorts in the Genome Aggregation Database (gnomAD). This alteration is expected to result in loss of function by premature protein truncation or nonsense-mediated mRNA decay. As such, this alteration is interpreted as a disease-causing mutation.

Labcorp Genetics (formerly Invitae), Labcorp
Classification: Pathogenic. Last evaluated: 2024-06-22. Review status: criteria provided, single submitter. Criteria: Invitae Variant Classification Sherloc (09022015). Collection method: clinical testing. Allele origin: germline.
Comment: This sequence change creates a premature translational stop signal (p.Gly1570*) in the ALPK3 gene. It is expected to result in an absent or disrupted protein product. Loss-of-function variants in ALPK3 are known to be pathogenic (PMID: 21441111, 26846950, 27106955, 34263907). This variant is not present in population databases (gnomAD no frequency). This variant has not been reported in the literature in individuals affected with ALPK3-related conditions. ClinVar contains an entry for this variant (Variation ID: 1456996). For these reasons, this variant has been classified as Pathogenic.

Literature cited by the submitters: PubMed 21441111 (cited by Labcorp Genetics (formerly Invitae), Labcorp); PubMed 26846950 (cited by Labcorp Genetics (formerly Invitae), Labcorp); PubMed 27106955 (cited by Labcorp Genetics (formerly Invitae), Labcorp); PubMed 34263907 (cited by Labcorp Genetics (formerly Invitae), Labcorp).

NM_020778.5(ALPK3):c.4102G>T (p.Gly1368Ter)

Gene: ALPK3 (alpha kinase 3; plus strand). Cytogenetic location: 15q25.3.
Variant type: single nucleotide variant.
Coding change: c.4102G>T on transcript NM_020778.5 (MANE Select); coding-DNA position 4102, G replaced by T.
Protein change: p.Gly1368Ter; replaces glycine 1368 with a stop codon.
Molecular consequence: nonsense.
Genome position (GRCh38, 1-based): chr15:84,860,045, G>T. VCF-style: chr15-84860045-G-T. GRCh37 (hg19) VCF-style: chr15-85403276-G-T.
Other names: c.4708G>T (NM_020778.4); short protein forms G1368*.
Identifiers: ClinVar variation 1456996 (VCV001456996.7), dbSNP rs2141570935, ClinGen allele CA393362194.